The following is an entry in ClinVar:

ClinVar aggregate classification (germline): Conflicting classifications of pathogenicity. Review status: criteria provided, conflicting classifications (1 of 4 stars). 2 submissions from 2 submitters: Uncertain significance (1); Likely benign (1). Last evaluated 2023-03-23.

Conditions:
Hereditary cancer-predisposing syndrome. Also called: Hereditary neoplastic syndrome; Tumor predisposition; Neoplastic Syndromes, Hereditary; Hereditary Cancer Syndrome. Identifiers: Orphanet 140162, MedGen C0027672, MeSH D009386, MONDO:0015356.
Hereditary breast ovarian cancer syndrome. Also called: Hereditary breast and ovarian cancer; Hereditary breast and/or ovarian cancer syndrome; Hereditary breast and ovarian cancer syndrome; Hereditary breast and ovarian cancer syndrome (HBOC); Breast and ovarian cancer; BRCA1- and BRCA2-Associated Hereditary Breast and Ovarian Cancer. Identifiers: Orphanet 145, MedGen C0677776, MeSH D061325, MONDO:0003582. Disease mechanism: loss of function.

Submissions (2):

University of Washington Department of Laboratory Medicine, University of Washington
Classification: Likely benign for Hereditary cancer-predisposing syndrome. Last evaluated: 2023-03-23. Review status: criteria provided, single submitter. Criteria: Dines et al. (Genet Med. 2020). Collection method: curation. Allele origin: germline.
Comment: Missense variant in a coldspot region where missense variants are very unlikely to be pathogenic (PMID:31911673).

BRCA1 coldspot (exon 11 using historical exon numbering). Reclassification based on statistical prior probability

Labcorp Genetics (formerly Invitae), Labcorp
Classification: Uncertain significance for Hereditary breast ovarian cancer syndrome. Last evaluated: 2021-08-24. Review status: criteria provided, single submitter. Criteria: Invitae Variant Classification Sherloc (09022015). Collection method: clinical testing. Allele origin: germline.
Comment: This sequence change replaces asparagine with lysine at codon 1045 of the BRCA1 protein (p.Asn1045Lys). The asparagine residue is moderately conserved and there is a moderate physicochemical difference between asparagine and lysine. This variant is not present in population databases (ExAC no frequency). This variant has not been reported in the literature in individuals affected with BRCA1-related conditions. Algorithms developed to predict the effect of missense changes on protein structure and function (SIFT, PolyPhen-2, Align-GVGD) all suggest that this variant is likely to be tolerated. In summary, the available evidence is currently insufficient to determine the role of this variant in disease. Therefore, it has been classified as a Variant of Uncertain Significance.

NM_007294.4(BRCA1):c.3135T>G (p.Asn1045Lys)

Gene: BRCA1 (BRCA1 DNA repair associated; minus strand). Cytogenetic location: 17q21.31.
Variant type: single nucleotide variant.
Coding change: c.3135T>G on transcript NM_007294.4 (MANE Select); coding-DNA position 3135, T replaced by G.
Protein change: p.Asn1045Lys; replaces asparagine 1045 with lysine.
Molecular consequence: missense variant. On other transcripts: intron variant (137).
Genome position (GRCh38, 1-based): chr17:43,092,396, A>C on the plus strand (T>G on the coding strand, the complement: BRCA1 is on the minus strand). VCF-style: chr17-43092396-A-C. GRCh37 (hg19) VCF-style: chr17-41244413-A-C.
Other names: c.2802T>G, p.Asn934Lys (NM_001407946.1, NM_001407947.1, NM_001407948.1 and 6 more transcripts); c.2799T>G, p.Asn933Lys (NM_001407954.1, NM_001407955.1, NM_001407956.1 and 1 more transcripts); c.2631T>G, p.Asn877Lys (NM_001407965.1); c.2247T>G, p.Asn749Lys (NM_001407966.1, NM_001407967.1); c.2994T>G, p.Asn998Lys (NM_007297.4, NM_001407692.1, NM_001407694.1 and 29 more transcripts); c.2754T>G, p.Asn918Lys (NM_001407960.1, NM_001407963.1, NM_001407959.1); c.2751T>G, p.Asn917Lys (NM_001407962.1); c.2991T>G, p.Asn997Lys (NM_001407964.1, NM_001407740.1, NM_001407741.1 and 20 more transcripts); and 41 more; short protein forms N998K, N1045K, N1003K, N1019K, N749K, N917K, N918K, N957K.
Identifiers: ClinVar variation 954381 (VCV000954381.10), dbSNP rs2053637366, ClinGen allele CA10595712.